The following is an entry in ClinVar:

ClinVar aggregate classification (germline): Uncertain significance (1 of 4 stars; one submission).

Conditions:
Familial thoracic aortic aneurysm and aortic dissection (TAAD). Also called: Thoracic aortic aneurysms and dissections. Identifiers: Orphanet 91387, MedGen C4707243, MONDO:0019625.

Submission:

Color Diagnostics, LLC DBA Color Health
Classification: Uncertain significance for Familial thoracic aortic aneurysm and aortic dissection. Last evaluated: 2024-03-07. Review status: criteria provided, single submitter. Criteria: ACMG Guidelines, 2015. Collection method: clinical testing. Allele origin: germline.
Comment: This missense variant replaces methionine with isoleucine at codon 410 of the COL3A1 protein. Computational prediction suggests that this variant may not impact protein structure and function (internally defined REVEL score threshold <= 0.5, PMID: 27666373). To our knowledge, functional studies have not been reported for this variant. This variant has not been reported in individuals affected with cardiovascular disorders in the literature. This variant has not been identified in the general population by the Genome Aggregation Database (gnomAD). The available evidence is insufficient to determine the role of this variant in disease conclusively. Therefore, this variant is classified as a Variant of Uncertain Significance.

NM_000090.4(COL3A1):c.1230G>T (p.Met410Ile)

Gene: COL3A1 (collagen type III alpha 1 chain; plus strand). Cytogenetic location: 2q32.2.
Variant type: single nucleotide variant.
Coding change: c.1230G>T on transcript NM_000090.4 (MANE Select); coding-DNA position 1230, G replaced by T.
Protein change: p.Met410Ile; replaces methionine 410 with isoleucine.
Molecular consequence: missense variant.
Genome position (GRCh38, 1-based): chr2:188,994,269, G>T. VCF-style: chr2-188994269-G-T. GRCh37 (hg19) VCF-style: chr2-189858995-G-T.
Other names: short protein forms M410I.
Identifiers: ClinVar variation 1331901 (VCV001331901.3), dbSNP rs2153502373, ClinGen allele CA349851406.